The following is an entry in ClinVar:

ClinVar aggregate classification (germline): Conflicting classifications of pathogenicity. Review status: criteria provided, conflicting classifications (1 of 4 stars). 3 submissions from 3 submitters: Uncertain significance (1); Likely benign (1). 1 of the submissions does not count toward it. Last evaluated 2026-01-10.

Conditions:
Hereditary breast ovarian cancer syndrome. Also called: Hereditary breast and ovarian cancer syndrome (HBOC); Hereditary breast and ovarian cancer; Hereditary breast and/or ovarian cancer syndrome; Hereditary breast and ovarian cancer syndrome; Breast and ovarian cancer; BRCA1- and BRCA2-Associated Hereditary Breast and Ovarian Cancer. Identifiers: Orphanet 145, MedGen C0677776, MeSH D061325, MONDO:0003582. Disease mechanism: loss of function.
Hereditary cancer-predisposing syndrome. Also called: Neoplastic Syndromes, Hereditary; Tumor predisposition; Hereditary neoplastic syndrome; Hereditary Cancer Syndrome. Identifiers: Orphanet 140162, MedGen C0027672, MeSH D009386, MONDO:0015356.
Malignant tumor of breast. Also called: Malignant breast neoplasm; Cancer breast. Identifiers: MedGen C0006142, MONDO:0007254. Disease mechanism: loss of function.

gnomAD v4.1: 1 of 1,613,814 alleles (0.000062%); highest among the groups gnomAD compares: Non-Finnish European, 0.000085%; no homozygotes.

Submissions (3):

Labcorp Genetics (formerly Invitae), Labcorp
Classification: Uncertain significance for Hereditary breast ovarian cancer syndrome. Last evaluated: 2026-01-10. Review status: criteria provided, single submitter. Criteria: Invitae Variant Classification Sherloc (09022015). Collection method: clinical testing. Allele origin: germline.
Comment: This sequence change replaces threonine, which is neutral and polar, with isoleucine, which is neutral and non-polar, at codon 2007 of the BRCA2 protein (p.Thr2007Ile). This variant is not present in population databases (gnomAD no frequency). This variant has not been reported in the literature in individuals affected with BRCA2-related conditions. ClinVar contains an entry for this variant (Variation ID: 839028). Invitae Evidence Modeling of protein sequence and biophysical properties (such as structural, functional, and spatial information, amino acid conservation, physicochemical variation, residue mobility, and thermodynamic stability) indicates that this missense variant is not expected to disrupt BRCA2 protein function with a negative predictive value of 95%. In summary, the available evidence is currently insufficient to determine the role of this variant in disease. Therefore, it has been classified as a Variant of Uncertain Significance.

University of Washington Department of Laboratory Medicine, University of Washington
Classification: Likely benign for Hereditary cancer-predisposing syndrome. Last evaluated: 2023-03-23. Review status: criteria provided, single submitter. Criteria: Dines et al. (Genet Med. 2020). Collection method: curation. Allele origin: germline.
Comment: Missense variant in a coldspot region where missense variants are very unlikely to be pathogenic (PMID:31911673).

BRCA2 exon 11 coldspot. Reclassification based on statistical prior probability.

Department of Pathology and Laboratory Medicine, Sinai Health System
Classification: Uncertain significance for Malignant tumor of breast. Review status: no assertion criteria provided. Collection method: clinical testing. Allele origin: unknown. Affected: yes. Study: The Canadian Open Genetics Repository (COGR). Not counted in ClinVar's aggregate classification.
Comment: The BRCA2 p.Thr2007Ile variant was not identified in the literature nor was it identified in the dbSNP, ClinVar, LOVD 3.0, or UMD-LSDB databases. The variant was not identified in the following control databases: the Exome Aggregation Consortium (August 8th 2016) or the Genome Aggregation Database (Feb 27, 2017). The p.Thr2007 residue is not conserved in mammals and four out of five computational analyses (PolyPhen-2, SIFT, AlignGVGD, BLOSUM, MutationTaster) do not suggest a high likelihood that the Ile variant impacts the protein; however, this information is not predictive enough to rule out pathogenicity. The variant occurs outside of the splicing consensus sequence and in silico or computational prediction software programs (SpliceSiteFinder, MaxEntScan, NNSPLICE, GeneSplicer) do not predict a difference in splicing. In summary, based on the above information, the clinical significance of this variant cannot be determined with certainty at this time. This variant is classified as a variant of uncertain significance.

NM_000059.4(BRCA2):c.6020C>T (p.Thr2007Ile)

Gene: BRCA2 (BRCA2 DNA repair associated; plus strand). Cytogenetic location: 13q13.1.
Variant type: single nucleotide variant.
Coding change: c.6020C>T on transcript NM_000059.4 (MANE Select); coding-DNA position 6020, C replaced by T.
Protein change: p.Thr2007Ile; replaces threonine 2007 with isoleucine.
Molecular consequence: missense variant.
Genome position (GRCh38, 1-based): chr13:32,340,375, C>T. VCF-style: chr13-32340375-C-T. GRCh37 (hg19) VCF-style: chr13-32914512-C-T.
Other names: short protein forms T2007I.
Identifiers: ClinVar variation 839028 (VCV000839028.14), dbSNP rs397507363, ClinGen allele CA387787749.